The following is an entry in ClinVar:

ClinVar aggregate classification (germline): Pathogenic (1 of 4 stars; one submission).

Conditions:
Cohen syndrome (COH1). Also called: Cutis verticis gyrata, retinitis pigmentosa, and sensorineural deafness; PEPPER SYNDROME. Identifiers: Orphanet 193, MedGen C0265223, MONDO:0008999, OMIM 216550.

Submission:

Labcorp Genetics (formerly Invitae), Labcorp
Classification: Pathogenic for Cohen syndrome. Last evaluated: 2021-12-11. Review status: criteria provided, single submitter. Criteria: Invitae Variant Classification Sherloc (09022015). Collection method: clinical testing. Allele origin: germline.
Comment: For these reasons, this variant has been classified as Pathogenic. This variant disrupts a region of the VPS13B protein in which other variant(s) (Deletion (Exons 18-23)) have been determined to be pathogenic (PMID: 32505691). This suggests that this is a clinically significant region of the protein, and that variants that disrupt it are likely to be disease-causing. This variant has not been reported in the literature in individuals affected with VPS13B-related conditions. This variant is a gross deletion of the genomic region encompassing exon(s) 18-35 of the VPS13B gene. This variant would be expected to be in-frame, preserving the integrity of the reading frame.

Literature cited by the submitters: PubMed 32505691.

NC_000008.10:g.(?_100286416)_(100673729_?)del

Gene: VPS13B (vacuolar protein sorting 13 homolog B; plus strand). Cytogenetic location: 8q22.2.
Variant type: Deletion.
Identifiers: ClinVar variation 2426381 (VCV002426381.4).